The following continues an entry in ClinVar:

NM_000368.5(TSC1):c.1760A>G (p.Lys587Arg)

Gene: TSC1. ClinVar aggregate classification (germline): Benign/Likely benign. Benign (25); Likely benign (1).

Submissions 23 to 38 of 38:

Genetic Services Laboratory, University of Chicago
Classification: Benign for AllHighlyPenetrant. Last evaluated: 2013-08-27. Review status: criteria provided, single submitter. Criteria: ACMG Guidelines, 2007. Collection method: clinical testing. Allele origin: germline. Inheritance: Autosomal dominant inheritance.

GeneDx
Classification: Benign. Last evaluated: 2012-04-26. Review status: criteria provided, single submitter. Criteria: GeneDx Variant Classification (06012015). Collection method: clinical testing. Allele origin: germline. Affected: yes.
Comment: This variant is considered likely benign or benign based on one or more of the following criteria: it is a conservative change, it occurs at a poorly conserved position in the protein, it is predicted to be benign by multiple in silico algorithms, and/or has population frequency not consistent with disease.

Breakthrough Genomics
Classification: Benign. Review status: criteria provided, single submitter. Criteria: ACMG Guidelines, 2015. Collection method: not provided. Allele origin: germline. Inheritance: Autosomal dominant inheritance. Affected: yes.

PreventionGenetics, part of Exact Sciences
Classification: Benign. Review status: criteria provided, single submitter. Criteria: ACMG Guidelines, 2015. Collection method: clinical testing. Allele origin: germline.

ITMI
No classification provided. Condition: AllHighlyPenetrant. Last evaluated: 2013-09-19. Review status: no classification provided. Collection method: reference population. Allele origin: germline. Not counted in ClinVar's aggregate classification.
Comment: Please see associated publication for description of ethnicities

OMIM
Classification: Uncertain significance for RECLASSIFIED - VARIANT OF UNKNOWN SIGNIFICANCE. Last evaluated: 1998-07-01. Review status: no assertion criteria provided. Collection method: literature only. Allele origin: germline. Not counted in ClinVar's aggregate classification.

Clinical Genetics DNA and cytogenetics Diagnostics Lab, Erasmus MC, Erasmus Medical Center
Classification: Benign. Review status: no assertion criteria provided. Collection method: clinical testing. Allele origin: germline. Affected: yes. Study: VKGL Data-share Consensus. Not counted in ClinVar's aggregate classification.

Clinical Genetics, Academic Medical Center
Classification: Likely benign. Review status: no assertion criteria provided. Collection method: clinical testing. Allele origin: germline. Affected: yes. Study: VKGL Data-share Consensus. Not counted in ClinVar's aggregate classification.

Dr. Peter K. Rogan Lab, Western University
No classification provided (evidence only). Condition: Familial cancer of breast. Review status: no classification provided. Collection method: in vitro. Allele origin: not applicable. Functional consequence: retained intron. Not counted in ClinVar's aggregate classification.

Dr. Peter K. Rogan Lab, Western University
No classification provided (evidence only). Condition: Thyroid cancer, nonmedullary, 1. Review status: no classification provided. Collection method: in vitro. Allele origin: not applicable. Functional consequence: retained intron. Not counted in ClinVar's aggregate classification.

Dr. Peter K. Rogan Lab, Western University
No classification provided (evidence only). Condition: Thyroid cancer, nonmedullary, 1. Review status: no classification provided. Collection method: in vitro. Allele origin: not applicable. Functional consequence: retained intron. Not counted in ClinVar's aggregate classification.

Dr. Peter K. Rogan Lab, Western University
No classification provided (evidence only). Condition: Cervical cancer. Review status: no classification provided. Collection method: in vitro. Allele origin: not applicable. Functional consequence: retained intron. Not counted in ClinVar's aggregate classification.

Dr. Peter K. Rogan Lab, Western University
No classification provided (evidence only). Condition: Hepatocellular carcinoma. Review status: no classification provided. Collection method: in vitro. Allele origin: not applicable. Functional consequence: retained intron. Not counted in ClinVar's aggregate classification.

Dr. Peter K. Rogan Lab, Western University
No classification provided (evidence only). Condition: Nonpapillary renal cell carcinoma. Review status: no classification provided. Collection method: in vitro. Allele origin: not applicable. Functional consequence: retained intron. Not counted in ClinVar's aggregate classification.

Genome Diagnostics Laboratory, Amsterdam University Medical Center
Classification: Benign. Review status: no assertion criteria provided. Collection method: clinical testing. Allele origin: germline. Affected: yes. Study: VKGL Data-share Consensus. Not counted in ClinVar's aggregate classification.

Tuberous sclerosis database (TSC1)
No classification provided. Condition: TSC. Review status: no classification provided. Criteria: Tuberous Sclerosis Database Assertion Criteria 2015. Collection method: curation. Allele origin: germline. Affected: yes. Not counted in ClinVar's aggregate classification.

Literature cited by the submitters: PubMed 24728327 (cited by Women's Health and Genetics/Laboratory Corporation of America, LabCorp and ITMI); PubMed 21309039 (cited by Women's Health and Genetics/Laboratory Corporation of America, LabCorp); PubMed 17304050 (cited by Women's Health and Genetics/Laboratory Corporation of America, LabCorp); PubMed 9242607 (cited by Women's Health and Genetics/Laboratory Corporation of America, LabCorp and OMIM); PubMed 9924605 (cited by OMIM).